The following is an entry in ClinVar:

NM_006277.3(ITSN2):c.3511G>A (p.Gly1171Arg)

Gene: ITSN2 (intersectin 2; minus strand). Cytogenetic location: 2p23.3.
Variant type: single nucleotide variant.
Coding change: c.3511G>A on transcript NM_006277.3 (MANE Select); coding-DNA position 3511, G replaced by A.
Protein change: p.Gly1171Arg; replaces glycine 1171 with arginine.
Molecular consequence: missense variant.
Genome position (GRCh38, 1-based): chr2:24,246,195, C>T on the plus strand (G>A on the coding strand, the complement: ITSN2 is on the minus strand). VCF-style: chr2-24246195-C-T. GRCh37 (hg19) VCF-style: chr2-24469064-C-T.
Other names: c.3511G>A (NM_006277.2); c.3469G>A, p.Gly1157Arg (NM_001348181.2); c.3391G>A, p.Gly1131Arg (NM_001348182.2, NM_001348186.2); c.3430G>A, p.Gly1144Arg (NM_001348183.2, NM_019595.4); c.3388G>A, p.Gly1130Arg (NM_001348184.2); c.3472G>A, p.Gly1158Arg (NM_001348185.2); c.3511G>A, p.Gly1171Arg (NM_147152.3); short protein forms G1130R, G1131R, G1144R, G1157R, G1158R, G1171R.
Identifiers: ClinVar variation 2420675 (VCV002420675.7), dbSNP rs367952937, ClinGen allele CA1550898.

ClinVar aggregate classification (germline): Uncertain significance. Review status: criteria provided, multiple submitters, no conflicts (2 of 4 stars). 2 submissions from 2 submitters: Uncertain significance (2). Last evaluated 2025-05-05.

Allele frequency attached by ClinVar (database versions not stated): ExAC 0.00003; TOPMed 0.00005; gnomAD 0.00006; ESP Exome Variant Server 0.00008; gnomAD exomes 0.00016.
gnomAD v4.1: 233 of 1,613,288 alleles (0.014%); highest among the groups gnomAD compares: Non-Finnish European, 0.019%; no homozygotes.

Submissions (2):

Ambry Genetics
Classification: Uncertain significance. Last evaluated: 2025-05-05. Review status: criteria provided, single submitter. Criteria: Ambry Variant Classification Scheme 2023. Collection method: clinical testing. Allele origin: germline.

Labcorp Genetics (formerly Invitae), Labcorp
Classification: Uncertain significance. Last evaluated: 2022-03-27. Review status: criteria provided, single submitter. Criteria: Invitae Variant Classification Sherloc (09022015). Collection method: clinical testing. Allele origin: germline.
Comment: This variant has not been reported in the literature in individuals affected with ITSN2-related conditions. In summary, the available evidence is currently insufficient to determine the role of this variant in disease. Therefore, it has been classified as a Variant of Uncertain Significance. Algorithms developed to predict the effect of missense changes on protein structure and function are either unavailable or do not agree on the potential impact of this missense change (SIFT: "Deleterious"; PolyPhen-2: "Not Available"; Align-GVGD: "Class C0"). This variant is present in population databases (rs367952937, gnomAD 0.008%). This sequence change replaces glycine, which is neutral and non-polar, with arginine, which is basic and polar, at codon 1171 of the ITSN2 protein (p.Gly1171Arg).